The following is an entry in ClinVar:

NM_006922.4(SCN3A):c.4805T>C (p.Val1602Ala)

Gene: SCN3A (sodium voltage-gated channel alpha subunit 3; minus strand). Cytogenetic location: 2q24.3.
Variant type: single nucleotide variant.
Coding change: c.4805T>C on transcript NM_006922.4 (MANE Select); coding-DNA position 4805, T replaced by C.
Protein change: p.Val1602Ala; replaces valine 1602 with alanine.
Molecular consequence: missense variant.
Genome position (GRCh38, 1-based): chr2:165,092,256, A>G on the plus strand (T>C on the coding strand, the complement: SCN3A is on the minus strand). VCF-style: chr2-165092256-A-G. GRCh37 (hg19) VCF-style: chr2-165948766-A-G.
Other names: c.4658T>C, p.Val1553Ala (NM_001081676.2, NM_001081677.2); short protein forms V1553A, V1602A.
Identifiers: ClinVar variation 3727027 (VCV003727027.2).

ClinVar aggregate classification (germline): Uncertain significance (1 of 4 stars; one submission).

gnomAD v4.1: 1 of 1,613,948 alleles (0.000062%); highest among the groups gnomAD compares: South Asian, 0.0011%; no homozygotes.

Submission:

Labcorp Genetics (formerly Invitae), Labcorp
Classification: Uncertain significance. Last evaluated: 2025-01-08. Review status: criteria provided, single submitter. Criteria: Invitae Variant Classification Sherloc (09022015). Collection method: clinical testing. Allele origin: germline.
Comment: This sequence change replaces valine, which is neutral and non-polar, with alanine, which is neutral and non-polar, at codon 1602 of the SCN3A protein (p.Val1602Ala). This variant is not present in population databases (gnomAD no frequency). This variant has not been reported in the literature in individuals affected with SCN3A-related conditions. An algorithm developed to predict the effect of missense changes on protein structure and function (PolyPhen-2) suggests that this variant is likely to be disruptive. In summary, the available evidence is currently insufficient to determine the role of this variant in disease. Therefore, it has been classified as a Variant of Uncertain Significance.